The following is an entry in ClinVar:

NM_024426.6(WT1):c.379C>A (p.Pro127Thr)

Genes: WT1 (WT1 transcription factor; minus strand), LOC107982234 (WT1/WT1-AS bi-directional promoter region; plus strand). Cytogenetic location: 11p13.
Variant type: single nucleotide variant.
Coding change: c.379C>A on transcript NM_024426.6 (MANE Select); coding-DNA position 379, C replaced by A.
Protein change: p.Pro127Thr; replaces proline 127 with threonine.
Molecular consequence: missense variant. On other transcripts: non-coding transcript variant (1).
Genome position (GRCh38, 1-based): chr11:32,434,982, G>T on the plus strand (C>A on the coding strand, the complement: WT1 is on the minus strand). VCF-style: chr11-32434982-G-T. GRCh37 (hg19) VCF-style: chr11-32456528-G-T.
Other names: c.379C>A, p.Pro127Thr (NM_000378.6, NM_024424.5); short protein forms P127T.
Identifiers: ClinVar variation 476701 (VCV000476701.6), dbSNP rs1554946578, ClinGen allele CA379965815.

ClinVar aggregate classification (germline): Uncertain significance (1 of 4 stars; one submission).

Conditions:
Wilms tumor 1 (WT1). Also called: Wilms tumor, somatic. Identifiers: Orphanet 654, MedGen CN033288, MONDO:0008679, OMIM 194070.
Drash syndrome (DDS). Also called: NEPHROPATHY, WILMS TUMOR, AND GENITAL ANOMALIES; WILMS TUMOR AND PSEUDO- OR TRUE HERMAPHRODITISM. Identifiers: Orphanet 220, MedGen C0950121, MONDO:0008682, OMIM 194080.
11p partial monosomy syndrome (WAGR). Also called: WAGR Spectrum Disorder; CHROMOSOME 11p13 DELETION SYNDROME; WAGR syndrome; WAGR Complex. Identifiers: Orphanet 893, MedGen C0206115, MONDO:0008681, OMIM 194072.
Frasier syndrome. Identifiers: Orphanet 347, MedGen C0950122, MeSH D052159, MONDO:0007635, OMIM 136680.

Submission:

Labcorp Genetics (formerly Invitae), Labcorp
Classification: Uncertain significance for Wilms tumor 1; Drash syndrome; 11p partial monosomy syndrome; Frasier syndrome. Last evaluated: 2021-08-31. Review status: criteria provided, single submitter. Criteria: Invitae Variant Classification Sherloc (09022015). Collection method: clinical testing. Allele origin: germline.
Comment: This sequence change replaces proline with threonine at codon 122 of the WT1 protein (p.Pro122Thr). The proline residue is moderately conserved and there is a small physicochemical difference between proline and threonine. The frequency data for this variant in the population databases is considered unreliable, as metrics indicate insufficient coverage at this position in the ExAC database. This variant has not been reported in the literature in individuals affected with WT1-related conditions. Algorithms developed to predict the effect of missense changes on protein structure and function are either unavailable or do not agree on the potential impact of this missense change (SIFT: "Deleterious"; PolyPhen-2: "Possibly Damaging"; Align-GVGD: "Class C0"). In summary, the available evidence is currently insufficient to determine the role of this variant in disease. Therefore, it has been classified as a Variant of Uncertain Significance.